The following is an entry in ClinVar:

NM_133433.4(NIPBL):c.1374G>C (p.Gln458His)

Gene: NIPBL (NIPBL cohesin loading factor; plus strand). Cytogenetic location: 5p13.2.
Variant type: single nucleotide variant.
Coding change: c.1374G>C on transcript NM_133433.4 (MANE Select); coding-DNA position 1374, G replaced by C.
Protein change: p.Gln458His; replaces glutamine 458 with histidine.
Molecular consequence: missense variant.
Genome position (GRCh38, 1-based): chr5:36,976,281, G>C. VCF-style: chr5-36976281-G-C. GRCh37 (hg19) VCF-style: chr5-36976383-G-C.
Other names: c.1374G>C, p.Gln458His (NM_001438586.1, NM_015384.5); short protein forms Q458H.
Identifiers: ClinVar variation 4861060 (VCV004861060.1).

ClinVar aggregate classification (germline): Uncertain significance (1 of 4 stars; one submission).

Conditions:
Inborn genetic diseases. Identifiers: MedGen C0950123, MeSH D030342.

gnomAD v4.1: 1 of 1,613,712 alleles (0.000062%); highest among the groups gnomAD compares: Non-Finnish European, 0.000085%; no homozygotes.

Submission:

Ambry Genetics
Classification: Uncertain significance for Inborn genetic diseases. Last evaluated: 2026-04-15. Review status: criteria provided, single submitter. Criteria: Ambry Variant Classification Scheme 2023. Collection method: clinical testing. Allele origin: germline.
Comment: The c.1374G>C (p.Q458H) alteration is located in exon 9 (coding exon 8) of the NIPBL gene. This alteration results from a G to C substitution at nucleotide position 1374, causing the glutamine (Q) at amino acid position 458 to be replaced by a histidine (H). Based on data from gnomAD, the C allele has an overall frequency of 0.003% (1/31386) total alleles studied. The highest observed frequency was 0.012% (1/8710) of African alleles. Based on insufficient or conflicting evidence, the clinical significance of this alteration remains unclear.